The following is an entry in ClinVar:

NM_000094.4(COL7A1):c.6217-3C>T

Gene: COL7A1 (collagen type VII alpha 1 chain; minus strand). Cytogenetic location: 3p21.31.
Variant type: single nucleotide variant.
Coding change: c.6217-3C>T on transcript NM_000094.4 (MANE Select); 3 bases into the intron before coding-DNA position 6217, C replaced by T.
Molecular consequence: intron variant.
Genome position (GRCh38, 1-based): chr3:48,575,129, G>A on the plus strand (C>T on the coding strand, the complement: COL7A1 is on the minus strand). VCF-style: chr3-48575129-G-A. GRCh37 (hg19) VCF-style: chr3-48612562-G-A.
Identifiers: ClinVar variation 2163673 (VCV002163673.3), dbSNP rs201850476, ClinGen allele CA2379141.
Genomic context (GRCh38, chr3:48,575,129, plus strand): 5'-GGCCAGGGGGTCCGGGGGGCCCAGGGGTTCCAGGGAGTCCAGGAGGGCCATCTCTGCCCT[G>A]CAGGAAACAAGAAAATGGGGTGGCAGCCCCAGCACAGCCTCCAGACAGCCTGCCCCACGA-3'

ClinVar aggregate classification (germline): Uncertain significance. Review status: criteria provided, multiple submitters, no conflicts (2 of 4 stars). 2 submissions from 2 submitters: Uncertain significance (2). Last evaluated 2026-03-05.

Allele frequency attached by ClinVar (database versions not stated): gnomAD 0.00001; TOPMed 0.00002; ExAC 0.00004; 1000 Genomes Project 0.00020; 1000 Genomes Project 30x 0.00031.

Submissions (2):

Women's Health and Genetics/Laboratory Corporation of America, LabCorp
Classification: Uncertain significance. Last evaluated: 2026-03-05. Review status: criteria provided, single submitter. Criteria: LabCorp Variant Classification Summary - May 2015. Collection method: clinical testing. Allele origin: germline.

Labcorp Genetics (formerly Invitae), Labcorp
Classification: Uncertain significance. Last evaluated: 2025-09-03. Review status: criteria provided, single submitter. Criteria: Invitae Variant Classification Sherloc (09022015). Collection method: clinical testing. Allele origin: germline.
Comment: This sequence change falls in intron 74 of the COL7A1 gene. It does not directly change the encoded amino acid sequence of the COL7A1 protein. It affects a nucleotide within the consensus splice site. This variant is present in population databases (rs201850476, gnomAD 0.02%). This variant has not been reported in the literature in individuals affected with COL7A1-related conditions. ClinVar contains an entry for this variant (Variation ID: 2163673). Variants that disrupt the consensus splice site are a relatively common cause of aberrant splicing (PMID: 17576681, 9536098). Algorithms developed to predict the effect of sequence changes on RNA splicing suggest that this variant is not likely to affect RNA splicing. In summary, the available evidence is currently insufficient to determine the role of this variant in disease. Therefore, it has been classified as a Variant of Uncertain Significance.

Literature cited by the submitters: PubMed 17576681 (cited by Labcorp Genetics (formerly Invitae), Labcorp); PubMed 9536098 (cited by Labcorp Genetics (formerly Invitae), Labcorp).